The following is an entry in ClinVar:

ClinVar aggregate classification (germline): Pathogenic (1 of 4 stars; one submission).

Conditions:
Neurofibromatosis, type 1 (NF1). Also called: Neurofibromatosis, type I; NEUROFIBROMATOSIS, TYPE I, SOMATIC; Peripheral type neurofibromatosis; VON RECKLINGHAUSEN DISEASE. Identifiers: Orphanet 636, MedGen C0027831, MONDO:0018975, OMIM 162200. Disease mechanism: loss of function.

Submission:

Labcorp Genetics (formerly Invitae), Labcorp
Classification: Pathogenic for Neurofibromatosis, type 1. Last evaluated: 2023-06-24. Review status: criteria provided, single submitter. Criteria: Invitae Variant Classification Sherloc (09022015). Collection method: clinical testing. Allele origin: germline.
Comment: This sequence change creates a premature translational stop signal (p.Asp724Glyfs*26) in the NF1 gene. It is expected to result in an absent or disrupted protein product. Loss-of-function variants in NF1 are known to be pathogenic (PMID: 10712197, 23913538). For these reasons, this variant has been classified as Pathogenic. This variant has not been reported in the literature in individuals affected with NF1-related conditions. This variant is not present in population databases (gnomAD no frequency).

Literature cited by the submitters: PubMed 10712197; PubMed 23913538.

NM_001042492.3(NF1):c.2161_2165dup (p.Asp724fs)

Gene: NF1 (neurofibromin 1; plus strand). Cytogenetic location: 17q11.2.
Variant type: Duplication.
Coding change: c.2161_2165dup on transcript NM_001042492.3 (MANE Select); coding-DNA positions 2161 to 2165, 5 bases duplicated (TGTGG; older notation c.2161_2165dupTGTGG).
Protein change: p.Asp724fs; shifts the reading frame from aspartic acid 724.
Molecular consequence: frameshift variant.
Genome position (GRCh38, 1-based): chr17:31,226,594-31,226,598, TGTGG duplicated; duplicating any 5 consecutive bases within chr17:31,226,592-31,226,598 gives the same sequence; the c. name uses the placement nearest the transcript's 3' end. VCF-style (leftmost placement, unchanged base first): chr17-31226591-C-CGGTGT. GRCh37 (hg19) VCF-style: chr17-29553609-C-CGGTGT.
Other names: c.2161_2165dup, p.Asp724Glyfs (NM_000267.4); short protein forms D724fs.
Identifiers: ClinVar variation 2726966 (VCV002726966.3), dbSNP rs2508157275, ClinGen allele CA2697559714.
Genomic context (GRCh38, chr17:31,226,591, plus strand): 5'-ACTGAAGCTGTTCTGGTTGCCATGTCCTGTTTCCGCCACCTCTGTGAGGAAGCAGATATC[C>CGGTGT]GGTGTGGGGTGGATGAAGTGTCAGTGCATAACCTCTTGCCCAACTATAACACATTCATGG-3'